The following is an entry in ClinVar:

ClinVar aggregate classification (germline): Uncertain significance (1 of 4 stars; one submission).

Submission:

Labcorp Genetics (formerly Invitae), Labcorp
Classification: Uncertain significance. Last evaluated: 2023-01-05. Review status: criteria provided, single submitter. Criteria: Invitae Variant Classification Sherloc (09022015). Collection method: clinical testing. Allele origin: germline.
Comment: This sequence change replaces alanine, which is neutral and non-polar, with glutamic acid, which is acidic and polar, at codon 642 of the FRMD7 protein (p.Ala642Glu). In summary, the available evidence is currently insufficient to determine the role of this variant in disease. Therefore, it has been classified as a Variant of Uncertain Significance. Algorithms developed to predict the effect of missense changes on protein structure and function (SIFT, PolyPhen-2, Align-GVGD) all suggest that this variant is likely to be tolerated. This variant has not been reported in the literature in individuals affected with FRMD7-related conditions. This variant is not present in population databases (gnomAD no frequency).

NM_194277.3(FRMD7):c.1925C>A (p.Ala642Glu)

Gene: FRMD7 (FERM domain containing 7; minus strand). Cytogenetic location: Xq26.2.
Variant type: single nucleotide variant.
Coding change: c.1925C>A on transcript NM_194277.3 (MANE Select); coding-DNA position 1925, C replaced by A.
Protein change: p.Ala642Glu; replaces alanine 642 with glutamic acid.
Molecular consequence: missense variant.
Genome position (GRCh38, 1-based): chrX:132,078,092, G>T on the plus strand (C>A on the coding strand, the complement: FRMD7 is on the minus strand). VCF-style: chrX-132078092-G-T. GRCh37 (hg19) VCF-style: chrX-131212120-G-T.
Other names: c.1880C>A, p.Ala627Glu (NM_001306193.2); short protein forms A627E, A642E.
Identifiers: ClinVar variation 1949925 (VCV001949925.5), dbSNP rs2520691077, ClinGen allele CA414677991.